The following is an entry in ClinVar:

NM_000475.5(NR0B1):c.501del (p.Gly169fs)

Gene: NR0B1 (nuclear receptor subfamily 0 group B member 1; minus strand). Cytogenetic location: Xp21.2.
Variant type: Deletion.
Coding change: c.501del on transcript NM_000475.5 (MANE Select); coding-DNA position 501, one base deleted (A; older notation c.501delA).
Protein change: p.Gly169fs; shifts the reading frame from glycine 169.
Molecular consequence: frameshift variant.
Genome position (GRCh38, 1-based): chrX:30,308,863, T deleted on the plus strand (A on the coding strand, the reverse complement: NR0B1 is on the minus strand). VCF-style (leftmost placement, unchanged base first): chrX-30308862-CT-C. GRCh37 (hg19) VCF-style: chrX-30326979-CT-C.
Other names: c.501del (NM_000475.4); short protein forms G169fs.
Identifiers: ClinVar variation 10970 (VCV000010970.8), dbSNP rs1569268976, ClinGen allele CA891843971.

ClinVar aggregate classification (germline): Pathogenic. Review status: criteria provided, multiple submitters, no conflicts (2 of 4 stars). 4 submissions from 4 submitters: Pathogenic (3). 1 of the submissions does not count toward it. Last evaluated 2026-03-23.

Conditions:
NR0B1-related disorder.
Congenital adrenal hypoplasia, X-linked (AHC). Also called: Isolated X-Linked Adrenal Hypoplasia Congenita; X-Linked Adrenal Hypoplasia Congenita; X-linked AHC; ADRENAL HYPOPLASIA, CONGENITAL, WITH HYPOGONADOTROPIC HYPOGONADISM. Identifiers: Orphanet 95702, MedGen C0342482, MONDO:0010264, OMIM 300200. Disease mechanism: loss of function.
46,XY sex reversal 2. Also called: NR0B1-Related 46,XY CGD; NR0B1-related 46,XY complete gonadal dysgenesis; 46XY sex reversal 2, dosage-sensitive; Dosage-sensitive sex reversal; 46,XY SEX REVERSAL, DAX1-RELATED. Identifiers: MedGen C1848296, MONDO:0010226, OMIM 300018.

Submissions (4):

GeneDx
Classification: Pathogenic. Last evaluated: 2026-03-23. Review status: criteria provided, single submitter. Criteria: GeneDx Variant Classification Process June 2021. Collection method: clinical testing. Allele origin: germline.
Comment: Identified in patients with clinical features of X-linked adrenal hypoplasia congenita in published literature (PMID: 9529340, 11748852); Frameshift variant predicted to result in protein truncation or nonsense mediated decay in a gene for which loss of function is a known mechanism of disease; Not observed at significant frequency in large population cohorts (gnomAD); This variant is associated with the following publications: (PMID: 9529340, 11748852)

Labcorp Genetics (formerly Invitae), Labcorp
Classification: Pathogenic for Congenital adrenal hypoplasia, X-linked; 46,XY sex reversal 2. Last evaluated: 2024-01-04. Review status: criteria provided, single submitter. Criteria: Invitae Variant Classification Sherloc (09022015). Collection method: clinical testing. Allele origin: germline.
Comment: This sequence change creates a premature translational stop signal (p.Gly169Alafs*95) in the NR0B1 gene. It is expected to result in an absent or disrupted protein product. Loss-of-function variants in NR0B1 are known to be pathogenic (PMID: 7990958, 15841486). This variant is not present in population databases (gnomAD no frequency). This premature translational stop signal has been observed in individual(s) with clinical features of congenital adrenal hypoplasia (PMID: 9529340, 11748852). ClinVar contains an entry for this variant (Variation ID: 10970). For these reasons, this variant has been classified as Pathogenic.

Greenwood Genetic Center Diagnostic Laboratories, Greenwood Genetic Center
Classification: Pathogenic for NR0B1-related disorder. Last evaluated: 2022-06-29. Review status: criteria provided, single submitter. Criteria: ACMG Guidelines, 2015. Collection method: clinical testing. Allele origin: germline. Affected: yes.
Comment: PVS1 PM2 PS4_Moderate

OMIM
Classification: Pathogenic for ADRENAL HYPOPLASIA, CONGENITAL. Last evaluated: 1999-12-01. Review status: no assertion criteria provided. Collection method: literature only. Allele origin: germline. Not counted in ClinVar's aggregate classification.

Literature cited by the submitters: PubMed 7990958 (cited by Labcorp Genetics (formerly Invitae), Labcorp); PubMed 15841486 (cited by Labcorp Genetics (formerly Invitae), Labcorp); PubMed 9529340 (cited by Labcorp Genetics (formerly Invitae), Labcorp); PubMed 11748852 (cited by Labcorp Genetics (formerly Invitae), Labcorp); PubMed 10599709 (cited by OMIM).